The following is an entry in ClinVar:

ClinVar aggregate classification (germline): Uncertain significance (1 of 4 stars; one submission).

Conditions:
Cardiovascular phenotype. Identifiers: MedGen CN230736.

Allele frequency attached by ClinVar (database versions not stated): gnomAD 0.00001.
gnomAD v4.1: 2 of 1,603,978 alleles (0.00012%); highest among the groups gnomAD compares: African/African-American, 0.0013%; no homozygotes.

Submission:

Ambry Genetics
Classification: Uncertain significance for Cardiovascular phenotype. Last evaluated: 2023-01-20. Review status: criteria provided, single submitter. Criteria: Ambry Variant Classification Scheme 2023. Collection method: clinical testing. Allele origin: germline.
Comment: The p.D1310N variant (also known as c.3928G>A), located in coding exon 9 of the TNXB gene, results from a G to A substitution at nucleotide position 3928. The aspartic acid at codon 1310 is replaced by asparagine, an amino acid with highly similar properties. This amino acid position is conserved. In addition, this alteration is predicted to be tolerated by in silico analysis. Since supporting evidence is limited at this time, the clinical significance of this alteration remains unclear.

NM_001365276.2(TNXB):c.3928G>A (p.Asp1310Asn)

Gene: TNXB (tenascin XB; minus strand). Cytogenetic location: 6p21.33.
Variant type: single nucleotide variant.
Coding change: c.3928G>A on transcript NM_001365276.2 (MANE Select); coding-DNA position 3928, G replaced by A.
Protein change: p.Asp1310Asn; replaces aspartic acid 1310 with asparagine.
Molecular consequence: missense variant.
Genome position (GRCh38, 1-based): chr6:32,081,482, C>T on the plus strand (G>A on the coding strand, the complement: TNXB is on the minus strand). VCF-style: chr6-32081482-C-T. GRCh37 (hg19) VCF-style: chr6-32049259-C-T.
Other names: c.3928G>A, p.Asp1310Asn (NM_019105.8); short protein forms D1310N.
Identifiers: ClinVar variation 2446948 (VCV002446948.2), dbSNP rs1779430825, ClinGen allele CA363432763.